The following is an entry in ClinVar:

ClinVar aggregate classification (germline): Pathogenic (1 of 4 stars; one submission).

Conditions:
Hereditary breast ovarian cancer syndrome. Also called: BRCA1- and BRCA2-Associated Hereditary Breast and Ovarian Cancer; Hereditary breast and ovarian cancer; Hereditary breast and ovarian cancer syndrome (HBOC); Hereditary breast and/or ovarian cancer syndrome; Hereditary breast and ovarian cancer syndrome; Breast and ovarian cancer. Identifiers: Orphanet 145, MedGen C0677776, MeSH D061325, MONDO:0003582. Disease mechanism: loss of function.

Submission:

Labcorp Genetics (formerly Invitae), Labcorp
Classification: Pathogenic for Hereditary breast ovarian cancer syndrome. Last evaluated: 2021-10-28. Review status: criteria provided, single submitter. Criteria: Invitae Variant Classification Sherloc (09022015). Collection method: clinical testing. Allele origin: germline.
Comment: This variant is not present in population databases (gnomAD no frequency). This sequence change creates a premature translational stop signal (p.Gln1802Thrfs*5) in the BRCA2 gene. It is expected to result in an absent or disrupted protein product. Loss-of-function variants in BRCA2 are known to be pathogenic (PMID: 20104584). This variant has not been reported in the literature in individuals affected with BRCA2-related conditions. For these reasons, this variant has been classified as Pathogenic.

Literature cited by the submitters: PubMed 20104584.

NM_000059.4(BRCA2):c.5402dup (p.Gln1802fs)

Gene: BRCA2 (BRCA2 DNA repair associated; plus strand). Cytogenetic location: 13q13.1.
Variant type: Duplication.
Coding change: c.5402dup on transcript NM_000059.4 (MANE Select); coding-DNA position 5402, one base duplicated (C; older notation c.5402dupC).
Protein change: p.Gln1802fs; shifts the reading frame from glutamine 1802.
Molecular consequence: frameshift variant.
Genome position (GRCh38, 1-based): chr13:32,339,757, C duplicated; the last of 3 consecutive C bases (chr13:32,339,755-32,339,757); duplicating any one gives the same sequence. VCF-style (leftmost placement, unchanged base first): chr13-32339754-A-AC. GRCh37 (hg19) VCF-style: chr13-32913891-A-AC.
Other names: short protein forms Q1802fs.
Identifiers: ClinVar variation 1448338 (VCV001448338.6), dbSNP rs2137517148, ClinGen allele CA2573051260.